The following is an entry in ClinVar:

ClinVar aggregate classification (germline): Likely benign (1 of 4 stars; one submission).

gnomAD v4.1: 66 of 1,611,008 alleles (0.0041%); highest among the groups gnomAD compares: Non-Finnish European, 0.005%; 1 homozygote.

Submission:

CeGaT Center for Human Genetics Tuebingen
Classification: Likely benign. Last evaluated: 2025-03-01. Review status: criteria provided, single submitter. Criteria: CeGaT Center For Human Genetics Tuebingen Variant Classification Criteria Version 2. Collection method: clinical testing. Allele origin: germline. Affected: yes. Observed: 1 variant allele.
Comment: IQSEC1: BP4, BP7

NM_001134382.3(IQSEC1):c.1680C>T (p.Ile560=)

Gene: IQSEC1 (IQ motif and Sec7 domain ArfGEF 1; minus strand). Cytogenetic location: 3p25.2.
Variant type: single nucleotide variant.
Coding change: c.1680C>T on transcript NM_001134382.3 (MANE Select); coding-DNA position 1680, C replaced by T.
Protein change: p.Ile560=; no amino-acid change (isoleucine 560 retained).
Molecular consequence: synonymous variant.
Genome position (GRCh38, 1-based): chr3:12,924,631, G>A on the plus strand (C>T on the coding strand, the complement: IQSEC1 is on the minus strand). VCF-style: chr3-12924631-G-A. GRCh37 (hg19) VCF-style: chr3-12966131-G-A.
Other names: c.1356C>T, p.Ile452= (NM_001330619.3); c.2004C>T, p.Ile668= (NM_001376938.2); c.1722C>T, p.Ile574= (NM_014869.8).
Identifiers: ClinVar variation 3778112 (VCV003778112.7).